The following is an entry in ClinVar:

ClinVar aggregate classification (germline): Likely benign. Review status: criteria provided, multiple submitters, no conflicts (2 of 4 stars). 2 submissions from 2 submitters: Likely benign (2). Last evaluated 2025-10-01.

gnomAD v4.1: 126 of 1,613,942 alleles (0.0078%); highest among the groups gnomAD compares: African/African-American, 0.047%; no homozygotes.

Submissions (3):

CeGaT Center for Human Genetics Tuebingen
Classification: Likely benign. Last evaluated: 2025-10-01. Review status: criteria provided, single submitter. Criteria: CeGaT Center For Human Genetics Tuebingen Variant Classification Criteria Version 2. Collection method: clinical testing. Allele origin: germline. Affected: yes. Observed: 1 variant allele.
Comment: FDXR: BP4, BP7

Blueprint Genetics
Classification: Likely benign. Last evaluated: 2024-07-05. Review status: criteria provided, single submitter. Criteria: ACMG Guidelines, 2015. Collection method: clinical testing. Allele origin: germline.

Dr. Peter K. Rogan Lab, Western University
No classification provided (evidence only). Condition: Thyroid cancer, nonmedullary, 1. Review status: no classification provided. Collection method: in vitro. Allele origin: not applicable. Functional consequence: skipped exon. Not counted in ClinVar's aggregate classification.

NM_024417.5(FDXR):c.1110C>T (p.Ser370=)

Gene: FDXR (ferredoxin reductase; minus strand). Cytogenetic location: 17q25.1.
Variant type: single nucleotide variant.
Coding change: c.1110C>T on transcript NM_024417.5 (MANE Select); coding-DNA position 1110, C replaced by T.
Protein change: p.Ser370=; no amino-acid change (serine 370 retained).
Molecular consequence: synonymous variant. On other transcripts: non-coding transcript variant (1).
Genome position (GRCh38, 1-based): chr17:74,863,960, G>A on the plus strand (C>T on the coding strand, the complement: FDXR is on the minus strand). VCF-style: chr17-74863960-G-A. GRCh37 (hg19) VCF-style: chr17-72860082-G-A.
Other names: NC_000017.10:g.72860082G>A; c.1239C>T, p.Ser413= (NM_001258012.4); c.1203C>T, p.Ser401= (NM_001258013.4); c.1086C>T, p.Ser362= (NM_001258014.4); c.990C>T, p.Ser330= (NM_001258015.3); c.954C>T, p.Ser318= (NM_001258016.3); c.1128C>T, p.Ser376= (NM_004110.6).
Identifiers: ClinVar variation 4426729 (VCV004426729.8).